The following is an entry in ClinVar:

NM_001164508.2(NEB):c.11932G>T (p.Asp3978Tyr)

Gene: NEB (nebulin; minus strand). Cytogenetic location: 2q23.3.
Variant type: single nucleotide variant.
Coding change: c.11932G>T on transcript NM_001164508.2 (MANE Select); coding-DNA position 11932, G replaced by T.
Protein change: p.Asp3978Tyr; replaces aspartic acid 3978 with tyrosine.
Molecular consequence: missense variant.
Genome position (GRCh38, 1-based): chr2:151,610,602, C>A on the plus strand (G>T on the coding strand, the complement: NEB is on the minus strand). VCF-style: chr2-151610602-C-A. GRCh37 (hg19) VCF-style: chr2-152467116-C-A.
Other names: c.11932G>T, p.Asp3978Tyr (NM_001164507.2, NM_001271208.2); c.11203G>T, p.Asp3735Tyr (NM_004543.5); short protein forms D3735Y, D3978Y.
Identifiers: ClinVar variation 1021967 (VCV001021967.2), dbSNP rs2097912400, ClinGen allele CA348778221.

ClinVar aggregate classification (germline): Uncertain significance (1 of 4 stars; one submission).

Conditions:
Nemaline myopathy 2 (NEM2). Also called: Nemaline myopathy 2, autosomal recessive. Identifiers: MedGen C1850569, MONDO:0009725, OMIM 256030.

Allele frequency attached by ClinVar (database versions not stated): gnomAD exomes below 0.00001.
gnomAD v4.1: 1 of 1,613,488 alleles (0.000062%); highest among the groups gnomAD compares: Non-Finnish European, 0.000085%; no homozygotes.

Submission:

Labcorp Genetics (formerly Invitae), Labcorp
Classification: Uncertain significance for Nemaline myopathy 2. Last evaluated: 2021-08-27. Review status: criteria provided, single submitter. Criteria: Invitae Variant Classification Sherloc (09022015). Collection method: clinical testing. Allele origin: germline.
Comment: This sequence change replaces aspartic acid with tyrosine at codon 3978 of the NEB protein (p.Asp3978Tyr). The aspartic acid residue is moderately conserved and there is a large physicochemical difference between aspartic acid and tyrosine. This variant is not present in population databases (ExAC no frequency). This variant has not been reported in the literature in individuals affected with NEB-related conditions. Algorithms developed to predict the effect of missense changes on protein structure and function are either unavailable or do not agree on the potential impact of this missense change (SIFT: "Deleterious"; PolyPhen-2: "Not Available"; Align-GVGD: "Class C0"). Algorithms developed to predict the effect of sequence changes on RNA splicing suggest that this variant may create or strengthen a splice site. In summary, the available evidence is currently insufficient to determine the role of this variant in disease. Therefore, it has been classified as a Variant of Uncertain Significance.